The following is an entry in ClinVar:

NM_001170629.2(CHD8):c.5131_5133del (p.Asp1711del)

Gene: CHD8 (chromodomain helicase DNA binding protein 8; minus strand). Cytogenetic location: 14q11.2.
Variant type: Deletion.
Coding change: c.5131_5133del on transcript NM_001170629.2 (MANE Select); coding-DNA positions 5131 to 5133, 3 bases deleted (GAT; older notation c.5131_5133delGAT).
Protein change: p.Asp1711del; deletes aspartic acid 1711.
Molecular consequence: inframe deletion.
Genome position (GRCh38, 1-based): chr14:21,395,347-21,395,349, ATC deleted on the plus strand (GAT on the coding strand, the reverse complement: CHD8 is on the minus strand); deleting any 3 consecutive bases within chr14:21,395,347-21,395,350 gives the same sequence; the c. name uses the placement nearest the transcript's 3' end. VCF-style (leftmost placement, unchanged base first): chr14-21395346-GATC-G. GRCh37 (hg19) VCF-style: chr14-21863505-GATC-G.
Other names: c.4294_4296del, p.Asp1432del (NM_020920.4); short protein forms D1432del, D1711del.
Identifiers: ClinVar variation 2044317 (VCV002044317.4), dbSNP rs1566415636, ClinGen allele CA612383604.

ClinVar aggregate classification (germline): Uncertain significance (1 of 4 stars; one submission).

Submission:

Labcorp Genetics (formerly Invitae), Labcorp
Classification: Uncertain significance. Last evaluated: 2022-08-31. Review status: criteria provided, single submitter. Criteria: Invitae Variant Classification Sherloc (09022015). Collection method: clinical testing. Allele origin: germline.
Comment: In summary, the available evidence is currently insufficient to determine the role of this variant in disease. Therefore, it has been classified as a Variant of Uncertain Significance. Experimental studies and prediction algorithms are not available or were not evaluated, and the functional significance of this variant is currently unknown. This variant has not been reported in the literature in individuals affected with CHD8-related conditions. This variant is present in population databases (no rsID available, gnomAD 0.007%). This variant, c.5131_5133del, results in the deletion of 1 amino acid(s) of the CHD8 protein (p.Asp1711del), but otherwise preserves the integrity of the reading frame.